The following is an entry in ClinVar:

NM_000489.6(ATRX):c.2417A>G (p.Lys806Arg)

Gene: ATRX (ATRX chromatin remodeler; minus strand). Cytogenetic location: Xq21.1.
Variant type: single nucleotide variant.
Coding change: c.2417A>G on transcript NM_000489.6 (MANE Select); coding-DNA position 2417, A replaced by G.
Protein change: p.Lys806Arg; replaces lysine 806 with arginine.
Molecular consequence: missense variant.
Genome position (GRCh38, 1-based): chrX:77,682,839, T>C on the plus strand (A>G on the coding strand, the complement: ATRX is on the minus strand). VCF-style: chrX-77682839-T-C. GRCh37 (hg19) VCF-style: chrX-76938331-T-C.
Other names: c.2303A>G, p.Lys768Arg (NM_138270.5); short protein forms K768R, K806R.
Identifiers: ClinVar variation 4530226 (VCV004530226.1).

ClinVar aggregate classification (somatic clinical impact): Tier II - Potential (1 of 4 stars; one submission).

Conditions:
Neuroblastoma (NB). Identifiers: Orphanet 635, MedGen C0027819, MeSH D009447, MONDO:0005072, HP:0003006.

gnomAD v4.1: 2 of 1,207,554 alleles (0.00017%); highest among the groups gnomAD compares: South Asian, 0.0018%; no homozygotes.

Submission:

Institute for Genomic Medicine (IGM) Clinical Laboratory, Nationwide Children's Hospital
Classification: Tier II - Potential for Neuroblastoma. Assertion type: diagnostic. Clinical significance: supports diagnosis. Last evaluated: 2024-09-30. Review status: criteria provided, single submitter. Criteria: AMP/ASCO/CAP Guidelines, 2017. Collection method: clinical testing. Allele origin: somatic. Affected: yes.
Comment: Variant has Tier II (potential) clinical significance as a diagnostic inclusion criterion in neuroblastoma, based on the following evidence: 1) Diagnostic significance based on multiple small studies (Evidence Level C; PMIDs: 22416102, 23334666, 33056981, 25487495, 30523111, 32291317, 32060267, 35384159).

Literature cited by the submitters: PubMed 22416102; PubMed 23334666; PubMed 33056981; PubMed 25487495; PubMed 30523111; PubMed 32291317; PubMed 32060267; PubMed 35384159.